The following is an entry in ClinVar:

NM_024514.5(CYP2R1):c.1363C>T (p.Arg455Trp)

Genes: CYP2R1 (cytochrome P450 family 2 subfamily R member 1; minus strand), PDE3B (phosphodiesterase 3B; plus strand). Cytogenetic location: 11p15.2.
Variant type: single nucleotide variant.
Coding change: c.1363C>T on transcript NM_024514.5 (MANE Select); coding-DNA position 1363, C replaced by T.
Protein change: p.Arg455Trp; replaces arginine 455 with tryptophan.
Molecular consequence: missense variant.
Genome position (GRCh38, 1-based): chr11:14,878,265, G>A on the plus strand (C>T on the coding strand, the complement: CYP2R1 is on the minus strand). VCF-style: chr11-14878265-G-A. GRCh37 (hg19) VCF-style: chr11-14899811-G-A.
Other names: c.1018C>T, p.Arg340Trp (NM_001377214.1, NM_001377215.1, NM_001377216.1 and 1 more transcripts); c.1201C>T, p.Arg401Trp (NM_001377217.1); short protein forms R455W, R401W, R340W.
Identifiers: ClinVar variation 1385510 (VCV001385510.8), dbSNP rs146366698, ClinGen allele CA5896488.

ClinVar aggregate classification (germline): Uncertain significance. Review status: criteria provided, multiple submitters, no conflicts (2 of 4 stars). 2 submissions from 2 submitters: Uncertain significance (2). Last evaluated 2024-05-11.

Conditions:
Vitamin D hydroxylation-deficient rickets, type 1B. Also called: Rickets due to Defect in Vitamin D 25-hydroxylation; PSEUDOVITAMIN D3 DEFICIENCY RICKETS DUE TO 25-HYDROXYLASE DEFICIENCY; VITAMIN D-DEPENDENT RICKETS, TYPE 1B. Identifiers: Orphanet 289157, MedGen C1838657, MONDO:0010810, OMIM 600081.

Allele frequency attached by ClinVar (database versions not stated): gnomAD 0.00005 and 0.00003; gnomAD exomes 0.00003 and 0.00006; TOPMed 0.00004; ExAC 0.00007; ESP Exome Variant Server 0.00023.
gnomAD v4.1: 47 of 1,612,770 alleles (0.0029%); highest among the groups gnomAD compares: South Asian, 0.012%; 1 homozygote.

Submissions (2):

Fulgent Genetics
Classification: Uncertain significance for Vitamin D hydroxylation-deficient rickets, type 1B. Last evaluated: 2024-05-11. Review status: criteria provided, single submitter. Criteria: ACMG Guidelines, 2015. Collection method: clinical testing. Allele origin: germline.

Labcorp Genetics (formerly Invitae), Labcorp
Classification: Uncertain significance. Last evaluated: 2023-12-21. Review status: criteria provided, single submitter. Criteria: Invitae Variant Classification Sherloc (09022015). Collection method: clinical testing. Allele origin: germline.
Comment: This sequence change replaces arginine, which is basic and polar, with tryptophan, which is neutral and slightly polar, at codon 455 of the CYP2R1 protein (p.Arg455Trp). This variant is present in population databases (rs146366698, gnomAD 0.01%). This variant has not been reported in the literature in individuals affected with CYP2R1-related conditions. ClinVar contains an entry for this variant (Variation ID: 1385510). An algorithm developed to predict the effect of missense changes on protein structure and function (PolyPhen-2) suggests that this variant is likely to be disruptive. Experimental studies have shown that this missense change affects CYP2R1 function (PMID: 32115644). Algorithms developed to predict the effect of sequence changes on RNA splicing suggest that this variant may disrupt the consensus splice site. In summary, the available evidence is currently insufficient to determine the role of this variant in disease. Therefore, it has been classified as a Variant of Uncertain Significance.

Literature cited by the submitters: PubMed 32115644 (cited by Labcorp Genetics (formerly Invitae), Labcorp).